The following is an entry in ClinVar:

ClinVar aggregate classification (germline): Uncertain significance (1 of 4 stars; one submission).

Conditions:
Autosomal dominant hypocalcemia 1 (HYPOC1). Also called: HYPOCALCEMIA, FAMILIAL. Identifiers: MedGen C3715128, MONDO:0011013, OMIM 601198.
Familial hypocalciuric hypercalcemia (FHH). Also called: Familial benign hypercalcemia. Identifiers: Orphanet 405, MedGen C1809471, MONDO:0018458.

Allele frequency attached by ClinVar (database versions not stated): gnomAD exomes below 0.00001.
gnomAD v4.1: 1 of 1,614,184 alleles (0.000062%); highest among the groups gnomAD compares: Non-Finnish European, 0.000085%; no homozygotes.

Submission:

Labcorp Genetics (formerly Invitae), Labcorp
Classification: Uncertain significance for Familial hypocalciuric hypercalcemia; Autosomal dominant hypocalcemia 1. Last evaluated: 2022-02-19. Review status: criteria provided, single submitter. Criteria: Invitae Variant Classification Sherloc (09022015). Collection method: clinical testing. Allele origin: germline.
Comment: Algorithms developed to predict the effect of missense changes on protein structure and function are either unavailable or do not agree on the potential impact of this missense change (SIFT: "Deleterious"; PolyPhen-2: "Benign"; Align-GVGD: "Class C0"). This variant has not been reported in the literature in individuals affected with CASR-related conditions. This variant is not present in population databases (gnomAD no frequency). This sequence change replaces glutamine, which is neutral and polar, with arginine, which is basic and polar, at codon 944 of the CASR protein (p.Gln944Arg). In summary, the available evidence is currently insufficient to determine the role of this variant in disease. Therefore, it has been classified as a Variant of Uncertain Significance.

NM_000388.4(CASR):c.2831A>G (p.Gln944Arg)

Gene: CASR (calcium sensing receptor; plus strand). Cytogenetic location: 3q21.1.
Variant type: single nucleotide variant.
Coding change: c.2831A>G on transcript NM_000388.4 (MANE Select); coding-DNA position 2831, A replaced by G.
Protein change: p.Gln944Arg; replaces glutamine 944 with arginine.
Molecular consequence: missense variant.
Genome position (GRCh38, 1-based): chr3:122,284,785, A>G. VCF-style: chr3-122284785-A-G. GRCh37 (hg19) VCF-style: chr3-122003632-A-G.
Other names: c.2861A>G, p.Gln954Arg (NM_001178065.2); short protein forms Q954R, Q944R.
Identifiers: ClinVar variation 2095050 (VCV002095050.4), dbSNP rs2473282172, ClinGen allele CA354160866.